The following is an entry in ClinVar:

NM_006767.4(LZTR1):c.209A>G (p.Lys70Arg)

Gene: LZTR1 (leucine zipper like post translational regulator 1; plus strand). Cytogenetic location: 22q11.21.
Variant type: single nucleotide variant.
Coding change: c.209A>G on transcript NM_006767.4 (MANE Select); coding-DNA position 209, A replaced by G.
Protein change: p.Lys70Arg; replaces lysine 70 with arginine.
Molecular consequence: missense variant.
Genome position (GRCh38, 1-based): chr22:20,983,035, A>G. VCF-style: chr22-20983035-A-G. GRCh37 (hg19) VCF-style: chr22-21337324-A-G.
Other names: c.209A>G (NM_006767.3); short protein forms K70R.
Identifiers: ClinVar variation 1911060 (VCV001911060.7), dbSNP rs2518608560, ClinGen allele CA410778268.

ClinVar aggregate classification (germline): Conflicting classifications of pathogenicity. Review status: criteria provided, conflicting classifications (1 of 4 stars). 3 submissions from 3 submitters: Likely pathogenic (1); Uncertain significance (2). Last evaluated 2025-05-31.

Conditions:
Cardiovascular phenotype. Identifiers: MedGen CN230736.
Hereditary cancer-predisposing syndrome. Also called: Neoplastic Syndromes, Hereditary; Hereditary Cancer Syndrome; Tumor predisposition; Hereditary neoplastic syndrome. Identifiers: Orphanet 140162, MedGen C0027672, MeSH D009386, MONDO:0015356.
LZTR1-related disorder. Also called: LZTR1-related disorders; LZTR1-related condition.

Submissions (3):

Ambry Genetics
Classification: Uncertain significance for Cardiovascular phenotype; Hereditary cancer-predisposing syndrome. Last evaluated: 2025-05-31. Review status: criteria provided, single submitter. Criteria: Ambry Variant Classification Scheme 2023. Collection method: clinical testing. Allele origin: germline.
Comment: The p.K70R variant (also known as c.209A>G), located in coding exon 2 of the LZTR1 gene, results from an A to G substitution at nucleotide position 209. The lysine at codon 70 is replaced by arginine, an amino acid with highly similar properties. This amino acid position is conserved. In addition, this alteration is predicted to be tolerated by in silico analysis. Based on the available evidence, the clinical significance of this variant remains unclear.

Labcorp Genetics (formerly Invitae), Labcorp
Classification: Uncertain significance. Last evaluated: 2022-07-04. Review status: criteria provided, single submitter. Criteria: Invitae Variant Classification Sherloc (09022015). Collection method: clinical testing. Allele origin: germline.
Comment: In summary, the available evidence is currently insufficient to determine the role of this variant in disease. Therefore, it has been classified as a Variant of Uncertain Significance. Algorithms developed to predict the effect of missense changes on protein structure and function are either unavailable or do not agree on the potential impact of this missense change (SIFT: "Tolerated"; PolyPhen-2: "Probably Damaging"; Align-GVGD: "Class C0"). This variant has not been reported in the literature in individuals affected with LZTR1-related conditions. This variant is not present in population databases (gnomAD no frequency). This sequence change replaces lysine, which is basic and polar, with arginine, which is basic and polar, at codon 70 of the LZTR1 protein (p.Lys70Arg).

Rady Children's Institute for Genomic Medicine, Rady Children's Hospital San Diego
Classification: Likely pathogenic for LZTR1-related disorders. Review status: criteria provided, single submitter. Criteria: ACMG Guidelines, 2015. Collection method: clinical testing. Allele origin: germline. Affected: yes.
Comment: This variant has not been previously reported or functionally characterized in the literature to our knowledge. The c.209A>G (p.Lys70Arg) variant falls within the first of six Kelch domains, within which variants associated with Noonan syndrome have been reported previously (PMID: 25795793). It is absent from the gnomAD population database and thus is presumed to be rare. In silico tools used to predict the effect of this variant on protein function yield discordant results. Analysis of the parental samples was negative for the variant, indicating this variant likely occurred as a de novo event. Based on the available evidence, the c.209A>G (p.Lys70Arg) variant is classified as Likely Pathogenic.